The following is an entry in ClinVar:

NM_015158.5(KANK1):c.683C>T (p.Ala228Val)

Gene: KANK1 (KN motif and ankyrin repeat domains 1; plus strand). Cytogenetic location: 9p24.3.
Variant type: single nucleotide variant.
Coding change: c.683C>T on transcript NM_015158.5 (MANE Select); coding-DNA position 683, C replaced by T.
Protein change: p.Ala228Val; replaces alanine 228 with valine.
Molecular consequence: missense variant. On other transcripts: non-coding transcript variant (1).
Genome position (GRCh38, 1-based): chr9:711,449, C>T. VCF-style: chr9-711449-C-T. GRCh37 (hg19) VCF-style: chr9-711449-C-T.
Other names: c.209C>T, p.Ala70Val (NM_153186.6, NM_001354335.2, NM_001354336.2 and 9 more transcripts); c.683C>T, p.Ala228Val (NM_001354334.2, NM_001256876.3, NM_001256877.3 and 2 more transcripts); short protein forms A70V, A228V.
Identifiers: ClinVar variation 3719184 (VCV003719184.2).

ClinVar aggregate classification (germline): Uncertain significance (1 of 4 stars; one submission).

gnomAD v4.1: 4 of 1,614,140 alleles (0.00025%); highest among the groups gnomAD compares: Admixed American, 0.0067%; no homozygotes.

Submission:

Labcorp Genetics (formerly Invitae), Labcorp
Classification: Uncertain significance. Last evaluated: 2025-02-04. Review status: criteria provided, single submitter. Criteria: Invitae Variant Classification Sherloc (09022015). Collection method: clinical testing. Allele origin: germline.
Comment: This sequence change replaces alanine, which is neutral and non-polar, with valine, which is neutral and non-polar, at codon 228 of the KANK1 protein (p.Ala228Val). This variant is present in population databases (rs138522309, gnomAD 0.006%). This variant has not been reported in the literature in individuals affected with KANK1-related conditions. An algorithm developed to predict the effect of missense changes on protein structure and function outputs the following: PolyPhen-2: "Benign". The valine amino acid residue is found in multiple mammalian species, which suggests that this missense change does not adversely affect protein function. In summary, the available evidence is currently insufficient to determine the role of this variant in disease. Therefore, it has been classified as a Variant of Uncertain Significance.